The following is an entry in ClinVar:

NM_152618.3(BBS12):c.1616G>A (p.Gly539Asp)

Gene: BBS12 (Bardet-Biedl syndrome 12; plus strand). Cytogenetic location: 4q27.
Variant type: single nucleotide variant.
Coding change: c.1616G>A on transcript NM_152618.3 (MANE Select); coding-DNA position 1616, G replaced by A.
Protein change: p.Gly539Asp; replaces glycine 539 with aspartic acid.
Molecular consequence: missense variant.
Genome position (GRCh38, 1-based): chr4:122,743,508, G>A. VCF-style: chr4-122743508-G-A. GRCh37 (hg19) VCF-style: chr4-123664663-G-A.
Other names: c.1616G>A, p.Gly539Asp (NM_001178007.2); short protein forms G539D.
Identifiers: ClinVar variation 974416 (VCV000974416.6), dbSNP rs755314355, ClinGen allele CA358225508.
Genomic context (GRCh38, chr4:122,743,508, plus strand): 5'-TCTGGACATGTGCCTATCGTTTGTATTATGCTCTAAAAGAGGAAAAGGTCTTCCTTGGAG[G>A]TGGTGCAGTTGAATTTTTGTGTCTTAGCTGTCTTCATATTCTTGCAGAGCAATCTCTGAA-3'
Protein context (NP_689831.2, residues 529-549): ALKEEKVFLG[Gly539Asp]GAVEFLCLSC

ClinVar aggregate classification (germline): Pathogenic/Likely pathogenic. Review status: criteria provided, multiple submitters, no conflicts (2 of 4 stars). 4 submissions from 4 submitters: Pathogenic (2); Likely pathogenic (2). Last evaluated 2024-05-01.

Conditions:
Bardet-Biedl syndrome (BBS). Identifiers: Orphanet 110, MedGen C0752166, MONDO:0015229.
Bardet-Biedl syndrome 12 (BBS12). Identifiers: Orphanet 110, MedGen C1859570, MONDO:0014440, OMIM 615989.

Submissions (4):

Fulgent Genetics
Classification: Likely pathogenic for Bardet-Biedl syndrome 12. Last evaluated: 2024-05-01. Review status: criteria provided, single submitter. Criteria: ACMG Guidelines, 2015. Collection method: clinical testing. Allele origin: germline.

Baylor Genetics
Classification: Pathogenic for Bardet-Biedl syndrome 12. Last evaluated: 2023-09-18. Review status: criteria provided, single submitter. Criteria: ACMG Guidelines, 2015. Collection method: clinical testing. Allele origin: unknown.

Labcorp Genetics (formerly Invitae), Labcorp
Classification: Pathogenic for Bardet-Biedl syndrome. Last evaluated: 2023-03-21. Review status: criteria provided, single submitter. Criteria: Invitae Variant Classification Sherloc (09022015). Collection method: clinical testing. Allele origin: germline.
Comment: This sequence change replaces glycine, which is neutral and non-polar, with aspartic acid, which is acidic and polar, at codon 539 of the BBS12 protein (p.Gly539Asp). This variant is not present in population databases (gnomAD no frequency). This missense change has been observed in individual(s) with Bardet-Biedl syndrome and/or clinical features of BBS12-related conditions (PMID: 20472660, 24416769, 24611592, 26082521, 33532864). In at least one individual the data is consistent with being in trans (on the opposite chromosome) from a pathogenic variant. ClinVar contains an entry for this variant (Variation ID: 974416). Advanced modeling of protein sequence and biophysical properties (such as structural, functional, and spatial information, amino acid conservation, physicochemical variation, residue mobility, and thermodynamic stability) performed at Invitae indicates that this missense variant is expected to disrupt BBS12 protein function. For these reasons, this variant has been classified as Pathogenic.

Molecular Biology Laboratory, Fundació Puigvert
Classification: Likely pathogenic for Bardet-Biedl syndrome 12. Last evaluated: 2020-02-01. Review status: criteria provided, single submitter. Criteria: ACMG Guidelines, 2015. Collection method: research. Allele origin: maternal. Affected: yes. Study: KidneyPanel_2020.

Literature cited by the submitters: PubMed 20472660 (cited by Labcorp Genetics (formerly Invitae), Labcorp); PubMed 24416769 (cited by Labcorp Genetics (formerly Invitae), Labcorp); PubMed 24611592 (cited by Labcorp Genetics (formerly Invitae), Labcorp); PubMed 26082521 (cited by Labcorp Genetics (formerly Invitae), Labcorp); PubMed 33532864 (cited by Labcorp Genetics (formerly Invitae), Labcorp and Molecular Biology Laboratory, Fundació Puigvert).